The following is an entry in ClinVar:

NM_000834.5(GRIN2B):c.975C>T (p.His325=)

Gene: GRIN2B (glutamate ionotropic receptor NMDA type subunit 2B; minus strand). Cytogenetic location: 12p13.1.
Variant type: single nucleotide variant.
Coding change: c.975C>T on transcript NM_000834.5 (MANE Select); coding-DNA position 975, C replaced by T.
Protein change: p.His325=; no amino-acid change (histidine 325 retained).
Molecular consequence: synonymous variant.
Genome position (GRCh38, 1-based): chr12:13,753,352, G>A on the plus strand (C>T on the coding strand, the complement: GRIN2B is on the minus strand). VCF-style: chr12-13753352-G-A. GRCh37 (hg19) VCF-style: chr12-13906286-G-A.
Identifiers: ClinVar variation 544241 (VCV000544241.42), dbSNP rs200380868, ClinGen allele CA6461348.

ClinVar aggregate classification (germline): Likely benign. Review status: criteria provided, multiple submitters, no conflicts (2 of 4 stars). 5 submissions from 5 submitters: Likely benign (5). Last evaluated 2026-01-05.

Conditions:
Intellectual developmental disorder, autosomal dominant 6, with or without seizures. Also called: Intellectual disability, autosomal dominant 6; GRIN2B-related developmental delay, intellectual disability and autism spectrum disorder. Identifiers: Orphanet 589547, MedGen C3151411, MONDO:0013509, OMIM 613970.
Developmental and epileptic encephalopathy, 27 (DEE27). Also called: Epileptic encephalopathy, early infantile, 27; GRIN2B-Related Neurodevelopmental Disorder. Identifiers: Orphanet 3451, MedGen C4015316, MONDO:0014505, OMIM 616139.
Inborn genetic diseases. Identifiers: MedGen C0950123, MeSH D030342.

Allele frequency attached by ClinVar (database versions not stated): gnomAD exomes 0.00003; gnomAD 0.00005; ExAC 0.00002; TOPMed 0.00006.
gnomAD v4.1: 48 of 1,608,986 alleles (0.003%); highest among the groups gnomAD compares: Admixed American, 0.015%; no homozygotes.

Submissions (5):

Labcorp Genetics (formerly Invitae), Labcorp
Classification: Likely benign for Developmental and epileptic encephalopathy, 27; Intellectual developmental disorder, autosomal dominant 6, with or without seizures. Last evaluated: 2026-01-05. Review status: criteria provided, single submitter. Criteria: Invitae Variant Classification Sherloc (09022015). Collection method: clinical testing. Allele origin: germline.

CeGaT Center for Human Genetics Tuebingen
Classification: Likely benign. Last evaluated: 2023-09-01. Review status: criteria provided, single submitter. Criteria: CeGaT Center For Human Genetics Tuebingen Variant Classification Criteria Version 2. Collection method: clinical testing. Allele origin: germline. Affected: yes. Observed: 2 variant alleles.
Comment: GRIN2B: BP4, BP7

GeneDx
Classification: Likely benign. Last evaluated: 2021-01-19. Review status: criteria provided, single submitter. Criteria: GeneDx Variant Classification Process June 2021. Collection method: clinical testing. Allele origin: germline. Affected: yes.

Ambry Genetics
Classification: Likely benign for Inborn genetic diseases. Last evaluated: 2017-03-15. Review status: criteria provided, single submitter. Criteria: Ambry Variant Classification Scheme 2023. Collection method: clinical testing. Allele origin: germline.

Breakthrough Genomics
Classification: Likely benign. Review status: criteria provided, single submitter. Criteria: ACMG Guidelines, 2015. Collection method: not provided. Allele origin: germline. Inheritance: Autosomal dominant inheritance. Affected: yes.